The following is an entry in ClinVar:

ClinVar aggregate classification (germline): Uncertain significance (1 of 4 stars; one submission).

Submission:

CeGaT Center for Human Genetics Tuebingen
Classification: Uncertain significance. Last evaluated: 2025-08-01. Review status: criteria provided, single submitter. Criteria: CeGaT Center For Human Genetics Tuebingen Variant Classification Criteria Version 2. Collection method: clinical testing. Allele origin: germline. Affected: yes. Observed: 1 variant allele.
Comment: BNC2: PM2, BP4

NM_017637.6(BNC2):c.2320G>C (p.Val774Leu)

Genes: BNC2 (basonuclin zinc finger protein 2; minus strand), LOC126860585 (MED14-independent group 3 enhancer GRCh37_chr9:16435259-16436458; plus strand). Cytogenetic location: 9p22.3.
Variant type: single nucleotide variant.
Coding change: c.2320G>C on transcript NM_017637.6 (MANE Select); coding-DNA position 2320, G replaced by C.
Protein change: p.Val774Leu; replaces valine 774 with leucine.
Molecular consequence: missense variant.
Genome position (GRCh38, 1-based): chr9:16,435,874, C>G on the plus strand (G>C on the coding strand, the complement: BNC2 is on the minus strand). VCF-style: chr9-16435874-C-G. GRCh37 (hg19) VCF-style: chr9-16435872-C-G.
Other names: c.2194G>C, p.Val732Leu (NM_001317939.2); c.2035G>C, p.Val679Leu (NM_001317940.2); short protein forms V679L, V732L, V774L.
Identifiers: ClinVar variation 4085848 (VCV004085848.8).